The following is an entry in ClinVar:

ClinVar aggregate classification (germline): Likely pathogenic (1 of 4 stars; one submission).

Conditions:
Ornithine carbamoyltransferase deficiency (OTCD). Also called: ORNITHINE TRANSCARBAMYLASE DEFICIENCY; ORNITHINE TRANSCARBAMYLASE DEFICIENCY, HYPERAMMONEMIA DUE TO; OTC DEFICIENCY; Ornithine Carbamoyltransferase Deficiency Disease. Identifiers: Orphanet 664, MedGen C0268542, MONDO:0010703, OMIM 311250.

Submission:

Myriad Genetics, Inc.
Classification: Likely pathogenic for Ornithine carbamoyltransferase deficiency. Last evaluated: 2021-12-10. Review status: criteria provided, single submitter. Criteria: Myriad Women's Health Autosomal Recessive and X-Linked Classification Criteria (2021). Collection method: clinical testing. Allele origin: unknown.
Comment: NM_000531.5(OTC):c.208A>T(K70*) is expected to be pathogenic in the context of ornithine transcarbamylase deficiency. This variant is predicted to lead to an abnormal or absent protein product due to the creation of a premature termination codon in OTC, a gene where loss-of-function variants are known to be pathogenic. Please note: this variant was assessed in the context of healthy population screening.

NM_000531.6(OTC):c.208A>T (p.Lys70Ter)

Gene: OTC (ornithine transcarbamylase; plus strand). Cytogenetic location: Xp11.4.
Variant type: single nucleotide variant.
Coding change: c.208A>T on transcript NM_000531.6 (MANE Select); coding-DNA position 208, A replaced by T.
Protein change: p.Lys70Ter; replaces lysine 70 with a stop codon.
Molecular consequence: nonsense.
Genome position (GRCh38, 1-based): chrX:38,367,421, A>T. VCF-style: chrX-38367421-A-T. GRCh37 (hg19) VCF-style: chrX-38226674-A-T.
Other names: c.208A>T, p.Lys70Ter (NM_001407092.1); short protein forms K70*.
Identifiers: ClinVar variation 1726266 (VCV001726266.2), dbSNP rs2068302365, ClinGen allele CA412716472.
Genomic context (GRCh38, chrX:38,367,421, plus strand): 5'-GGAGAAGAAATTAAATATATGCTATGGCTATCAGCAGATCTGAAATTTAGGATAAAACAG[A>T]AAGGAGAGGTATGTAACATTTTCTTTTTACGTTCCATTACTACCAGTCCCCTTTTTTTAA-3'